The following is an entry in ClinVar:

NM_000094.4(COL7A1):c.6530G>A (p.Gly2177Asp)

Gene: COL7A1 (collagen type VII alpha 1 chain; minus strand). Cytogenetic location: 3p21.31.
Variant type: single nucleotide variant.
Coding change: c.6530G>A on transcript NM_000094.4 (MANE Select); coding-DNA position 6530, G replaced by A.
Protein change: p.Gly2177Asp; replaces glycine 2177 with aspartic acid.
Molecular consequence: missense variant.
Genome position (GRCh38, 1-based): chr3:48,573,862, C>T on the plus strand (G>A on the coding strand, the complement: COL7A1 is on the minus strand). VCF-style: chr3-48573862-C-T. GRCh37 (hg19) VCF-style: chr3-48611295-C-T.
Other names: short protein forms G2177D.
Identifiers: ClinVar variation 2578943 (VCV002578943.25), dbSNP rs2530932127, ClinGen allele CA352657384.

ClinVar aggregate classification (germline): Likely pathogenic (1 of 4 stars; one submission).

Submission:

CeGaT Center for Human Genetics Tuebingen
Classification: Likely pathogenic. Last evaluated: 2023-07-01. Review status: criteria provided, single submitter. Criteria: CeGaT Center For Human Genetics Tuebingen Variant Classification Criteria Version 2. Collection method: clinical testing. Allele origin: germline. Affected: yes. Observed: 1 variant allele.
Comment: COL7A1: PM1:Strong, PM2, PM3:Supporting, PP3